The following is an entry in ClinVar:

ClinVar aggregate classification (germline): Uncertain significance. Review status: criteria provided, multiple submitters, no conflicts (2 of 4 stars). 2 submissions from 2 submitters: Uncertain significance (2). Last evaluated 2025-09-28.

Conditions:
Inborn genetic diseases. Identifiers: MedGen C0950123, MeSH D030342.
Dyskeratosis congenita. Identifiers: Orphanet 1775, MedGen C0265965, MONDO:0015780.

Allele frequency attached by ClinVar (database versions not stated): TOPMed below 0.00001; gnomAD 0.00001; gnomAD exomes 0.00001.
gnomAD v4.1: 9 of 1,552,112 alleles (0.00058%); highest among the groups gnomAD compares: Admixed American, 0.016%; no homozygotes.

Submissions (2):

Ambry Genetics
Classification: Uncertain significance for Inborn genetic diseases. Last evaluated: 2025-09-28. Review status: criteria provided, single submitter. Criteria: Ambry Variant Classification Scheme 2023. Collection method: clinical testing. Allele origin: germline.

Labcorp Genetics (formerly Invitae), Labcorp
Classification: Uncertain significance for Dyskeratosis congenita. Last evaluated: 2023-07-10. Review status: criteria provided, single submitter. Criteria: Invitae Variant Classification Sherloc (09022015). Collection method: clinical testing. Allele origin: germline.
Comment: This sequence change replaces alanine, which is neutral and non-polar, with threonine, which is neutral and polar, at codon 601 of the CTC1 protein (p.Ala601Thr). This variant is present in population databases (no rsID available, gnomAD 0.008%). This variant has not been reported in the literature in individuals affected with CTC1-related conditions. ClinVar contains an entry for this variant (Variation ID: 1368054). Advanced modeling of protein sequence and biophysical properties (such as structural, functional, and spatial information, amino acid conservation, physicochemical variation, residue mobility, and thermodynamic stability) performed at Invitae indicates that this missense variant is not expected to disrupt CTC1 protein function. In summary, the available evidence is currently insufficient to determine the role of this variant in disease. Therefore, it has been classified as a Variant of Uncertain Significance.

NM_025099.6(CTC1):c.1801G>A (p.Ala601Thr)

Gene: CTC1 (CST telomere replication complex component 1; minus strand). Cytogenetic location: 17p13.1.
Variant type: single nucleotide variant.
Coding change: c.1801G>A on transcript NM_025099.6 (MANE Select); coding-DNA position 1801, G replaced by A.
Protein change: p.Ala601Thr; replaces alanine 601 with threonine.
Molecular consequence: missense variant. On other transcripts: non-coding transcript variant (1).
Genome position (GRCh38, 1-based): chr17:8,234,472, C>T on the plus strand (G>A on the coding strand, the complement: CTC1 is on the minus strand). VCF-style: chr17-8234472-C-T. GRCh37 (hg19) VCF-style: chr17-8137790-C-T.
Other names: c.1801G>A (NM_025099.5); short protein forms A601T.
Identifiers: ClinVar variation 1368054 (VCV001368054.7), dbSNP rs963962577, ClinGen allele CA287535559.